The following is an entry in ClinVar:

NM_004304.5(ALK):c.4270C>G (p.Leu1424Val)

Gene: ALK (ALK receptor tyrosine kinase; minus strand). Cytogenetic location: 2p23.2.
Variant type: single nucleotide variant.
Coding change: c.4270C>G on transcript NM_004304.5 (MANE Select); coding-DNA position 4270, C replaced by G.
Protein change: p.Leu1424Val; replaces leucine 1424 with valine.
Molecular consequence: missense variant.
Genome position (GRCh38, 1-based): chr2:29,193,817, G>C on the plus strand (C>G on the coding strand, the complement: ALK is on the minus strand). VCF-style: chr2-29193817-G-C. GRCh37 (hg19) VCF-style: chr2-29416683-G-C.
Other names: c.1066C>G, p.Leu356Val (NM_001353765.2); short protein forms L1424V, L356V.
Identifiers: ClinVar variation 638944 (VCV000638944.12), dbSNP rs1573079038, ClinGen allele CA346462914.

ClinVar aggregate classification (germline): Uncertain significance. Review status: criteria provided, multiple submitters, no conflicts (2 of 4 stars). 2 submissions from 2 submitters: Uncertain significance (2). Last evaluated 2025-05-01.

Conditions:
Neuroblastoma, susceptibility to, 3. Also called: ALK-Related Neuroblastic Tumor Susceptibility. Identifiers: Orphanet 635, MedGen C2751681, MONDO:0013083, OMIM 613014.
Hereditary cancer-predisposing syndrome. Also called: Hereditary Cancer Syndrome; Neoplastic Syndromes, Hereditary; Tumor predisposition; Hereditary neoplastic syndrome. Identifiers: Orphanet 140162, MedGen C0027672, MeSH D009386, MONDO:0015356.

Submissions (2):

Ambry Genetics
Classification: Uncertain significance for Hereditary cancer-predisposing syndrome. Last evaluated: 2025-05-01. Review status: criteria provided, single submitter. Criteria: Ambry Variant Classification Scheme 2023. Collection method: clinical testing. Allele origin: germline.
Comment: The p.L1424V variant (also known as c.4270C>G), located in coding exon 29 of the ALK gene, results from a C to G substitution at nucleotide position 4270. The leucine at codon 1424 is replaced by valine, an amino acid with highly similar properties. This amino acid position is well conserved in available vertebrate species. In addition, this alteration is predicted to be tolerated by in silico analysis. Based on the available evidence, the clinical significance of this variant remains unclear.

Labcorp Genetics (formerly Invitae), Labcorp
Classification: Uncertain significance for Neuroblastoma, susceptibility to, 3. Last evaluated: 2018-09-17. Review status: criteria provided, single submitter. Criteria: Invitae Variant Classification Sherloc (09022015). Collection method: clinical testing. Allele origin: germline.
Comment: This sequence change replaces leucine with valine at codon 1424 of the ALK protein (p.Leu1424Val). The leucine residue is highly conserved and there is a small physicochemical difference between leucine and valine. This variant is not present in population databases (ExAC no frequency). In summary, the available evidence is currently insufficient to determine the role of this variant in disease. Therefore, it has been classified as a Variant of Uncertain Significance. Algorithms developed to predict the effect of missense changes on protein structure and function are either unavailable or do not agree on the potential impact of this missense change (SIFT: "Deleterious"; PolyPhen-2: "Probably Damaging"; Align-GVGD: "Class C0"). This variant has not been reported in the literature in individuals with ALK-related disease.